The following is an entry in ClinVar:

NM_004655.4(AXIN2):c.2354G>C (p.Ser785Thr)

Gene: AXIN2 (axin 2; minus strand). Cytogenetic location: 17q24.1.
Variant type: single nucleotide variant.
Coding change: c.2354G>C on transcript NM_004655.4 (MANE Select); coding-DNA position 2354, G replaced by C.
Protein change: p.Ser785Thr; replaces serine 785 with threonine.
Molecular consequence: missense variant.
Genome position (GRCh38, 1-based): chr17:65,533,963, C>G on the plus strand (G>C on the coding strand, the complement: AXIN2 is on the minus strand). VCF-style: chr17-65533963-C-G. GRCh37 (hg19) VCF-style: chr17-63530081-C-G.
Other names: c.2354G>C (NM_004655.3); c.2159G>C, p.Ser720Thr (NM_001363813.1); short protein forms S720T, S785T.
Identifiers: ClinVar variation 1484750 (VCV001484750.9), dbSNP rs2043865731, ClinGen allele CA400675431.

ClinVar aggregate classification (germline): Uncertain significance. Review status: criteria provided, multiple submitters, no conflicts (2 of 4 stars). 2 submissions from 2 submitters: Uncertain significance (2). Last evaluated 2025-05-10.

Conditions:
Oligodontia-cancer predisposition syndrome. Also called: TOOTH AGENESIS-COLORECTAL CANCER SYNDROME. Identifiers: Orphanet 300576, MedGen C1837750, MONDO:0012075, OMIM 608615. Disease mechanism: loss of function.
Hereditary cancer-predisposing syndrome. Also called: Hereditary neoplastic syndrome; Neoplastic Syndromes, Hereditary; Hereditary Cancer Syndrome; Tumor predisposition. Identifiers: Orphanet 140162, MedGen C0027672, MeSH D009386, MONDO:0015356.

gnomAD v4.1: 1 of 1,614,196 alleles (0.000062%); highest among the groups gnomAD compares: Non-Finnish European, 0.000085%; no homozygotes.

Submissions (2):

Ambry Genetics
Classification: Uncertain significance for Hereditary cancer-predisposing syndrome. Last evaluated: 2025-05-10. Review status: criteria provided, single submitter. Criteria: Ambry Variant Classification Scheme 2023. Collection method: clinical testing. Allele origin: germline.
Comment: The p.S785T variant (also known as c.2354G>C), located in coding exon 9 of the AXIN2 gene, results from a G to C substitution at nucleotide position 2354. The serine at codon 785 is replaced by threonine, an amino acid with similar properties. This amino acid position is conserved. In addition, this alteration is predicted to be tolerated by in silico analysis. Based on the available evidence, the clinical significance of this variant remains unclear.

Labcorp Genetics (formerly Invitae), Labcorp
Classification: Uncertain significance for Oligodontia-cancer predisposition syndrome. Last evaluated: 2023-06-30. Review status: criteria provided, single submitter. Criteria: Invitae Variant Classification Sherloc (09022015). Collection method: clinical testing. Allele origin: germline.
Comment: This variant is not present in population databases (gnomAD no frequency). This sequence change replaces serine, which is neutral and polar, with threonine, which is neutral and polar, at codon 785 of the AXIN2 protein (p.Ser785Thr). This variant has not been reported in the literature in individuals affected with AXIN2-related conditions. ClinVar contains an entry for this variant (Variation ID: 1484750). Advanced modeling of protein sequence and biophysical properties (such as structural, functional, and spatial information, amino acid conservation, physicochemical variation, residue mobility, and thermodynamic stability) performed at Invitae indicates that this missense variant is not expected to disrupt AXIN2 protein function. In summary, the available evidence is currently insufficient to determine the role of this variant in disease. Therefore, it has been classified as a Variant of Uncertain Significance.